The following is an entry in ClinVar:

NM_025114.4(CEP290):c.4177A>G (p.Ile1393Val)

Gene: CEP290 (centrosomal protein 290; minus strand). Cytogenetic location: 12q21.32.
Variant type: single nucleotide variant.
Coding change: c.4177A>G on transcript NM_025114.4 (MANE Select); coding-DNA position 4177, A replaced by G.
Protein change: p.Ile1393Val; replaces isoleucine 1393 with valine.
Molecular consequence: missense variant.
Genome position (GRCh38, 1-based): chr12:88,087,797, T>C on the plus strand (A>G on the coding strand, the complement: CEP290 is on the minus strand). VCF-style: chr12-88087797-T-C. GRCh37 (hg19) VCF-style: chr12-88481574-T-C.
Other names: short protein forms I1393V.
Identifiers: ClinVar variation 1032905 (VCV001032905.3), dbSNP rs2036709987, ClinGen allele CA385998900.

ClinVar aggregate classification (germline): Uncertain significance. Review status: criteria provided, multiple submitters, no conflicts (2 of 4 stars). 3 submissions from 3 submitters: Uncertain significance (3). Last evaluated 2026-03-03.

Conditions:
CEP290-related disorder. Also called: CEP290-related disorders; CEP290-related condition. Identifiers: MedGen CN239314.
Bardet-Biedl syndrome 14 (BBS14). Identifiers: Orphanet 110, MedGen C2673874, MONDO:0014442, OMIM 615991.
Meckel syndrome, type 4 (MKS4). Also called: MECKEL-GRUBER SYNDROME, TYPE 4. Identifiers: Orphanet 564, MedGen C1970161, MONDO:0012626, OMIM 611134.
Senior-Loken syndrome 6 (SLSN6). Identifiers: Orphanet 3156, MedGen C1857779, MONDO:0012433, OMIM 610189.
Leber congenital amaurosis 10 (LCA10). Identifiers: Orphanet 65, MedGen C1857821, MONDO:0012723, OMIM 611755.
Joubert syndrome 5 (JBTS5). Identifiers: Orphanet 2318, MedGen C1857780, MONDO:0012432, OMIM 610188.

Allele frequency attached by ClinVar (database versions not stated): gnomAD exomes below 0.00001; TOPMed below 0.00001; gnomAD 0.00001.
gnomAD v4.1: 2 of 1,266,226 alleles (0.00016%); highest among the groups gnomAD compares: Non-Finnish European, 0.0002%; no homozygotes.

Submissions (3):

PreventionGenetics, part of Exact Sciences
Classification: Uncertain significance for CEP290-related condition. Last evaluated: 2026-03-03. Review status: criteria provided, single submitter. Criteria: ACMG Guidelines, 2015. Collection method: clinical testing. Allele origin: germline.
Comment: The CEP290 c.4177A>G variant is predicted to result in the amino acid substitution p.Ile1393Val. To our knowledge, this variant has not been reported in the literature or in a large population database (gnomAD), indicating this variant is rare. At this time, the clinical significance of this variant is uncertain due to the absence of conclusive functional and genetic evidence.

Fulgent Genetics
Classification: Uncertain significance for Joubert syndrome 5; Senior-Loken syndrome 6; Meckel syndrome, type 4; Leber congenital amaurosis 10; Bardet-Biedl syndrome 14. Last evaluated: 2021-10-14. Review status: criteria provided, single submitter. Criteria: ACMG Guidelines, 2015. Collection method: clinical testing. Allele origin: unknown.

Baylor Genetics
Classification: Uncertain significance for Bardet-Biedl syndrome 14. Last evaluated: 2018-05-14. Review status: criteria provided, single submitter. Criteria: ACMG Guidelines, 2015. Collection method: clinical testing. Allele origin: maternal. Affected: yes.
Comment: This variant was determined to be of uncertain significance according to ACMG Guidelines, 2015 [PMID:25741868].